The following is an entry in ClinVar:

NM_020778.5(ALPK3):c.680T>A (p.Leu227Ter)

Gene: ALPK3 (alpha kinase 3; plus strand). Cytogenetic location: 15q25.3.
Variant type: single nucleotide variant.
Coding change: c.680T>A on transcript NM_020778.5 (MANE Select); coding-DNA position 680, T replaced by A.
Protein change: p.Leu227Ter; replaces leucine 227 with a stop codon.
Molecular consequence: nonsense.
Genome position (GRCh38, 1-based): chr15:84,839,959, T>A. VCF-style: chr15-84839959-T-A. GRCh37 (hg19) VCF-style: chr15-85383190-T-A.
Other names: short protein forms L227*.
Identifiers: ClinVar variation 1451132 (VCV001451132.8), dbSNP rs2141556463, ClinGen allele CA393373286.

ClinVar aggregate classification (germline): Pathogenic/Likely pathogenic. Review status: criteria provided, multiple submitters, no conflicts (2 of 4 stars). 2 submissions from 2 submitters: Pathogenic (1); Likely pathogenic (1). Last evaluated 2022-07-19.

Conditions:
Cardiovascular phenotype. Identifiers: MedGen CN230736.

gnomAD v4.1: 3 of 1,613,212 alleles (0.00019%); highest among the groups gnomAD compares: Non-Finnish European, 0.00025%; no homozygotes.

Submissions (2):

Labcorp Genetics (formerly Invitae), Labcorp
Classification: Pathogenic. Last evaluated: 2022-07-19. Review status: criteria provided, single submitter. Criteria: Invitae Variant Classification Sherloc (09022015). Collection method: clinical testing. Allele origin: germline.
Comment: For these reasons, this variant has been classified as Pathogenic. ClinVar contains an entry for this variant (Variation ID: 1451132). This variant has not been reported in the literature in individuals affected with ALPK3-related conditions. This variant is not present in population databases (gnomAD no frequency). This sequence change creates a premature translational stop signal (p.Leu429*) in the ALPK3 gene. It is expected to result in an absent or disrupted protein product. Loss-of-function variants in ALPK3 are known to be pathogenic (PMID: 21441111, 26846950, 27106955, 34263907).

Ambry Genetics
Classification: Likely pathogenic for Cardiovascular phenotype. Last evaluated: 2021-04-12. Review status: criteria provided, single submitter. Criteria: Ambry Variant Classification Scheme 2023. Collection method: clinical testing. Allele origin: germline.
Comment: The p.L429* variant (also known as c.1286T>A), located in coding exon 5 of the ALPK3 gene, results from a T to A substitution at nucleotide position 1286. This changes the amino acid from a leucine to a stop codon within coding exon 5. This alteration is expected to result in loss of function by premature protein truncation or nonsense-mediated mRNA decay. Based on the majority of available evidence to date, this variant is likely to be pathogenic.

Literature cited by the submitters: PubMed 21441111 (cited by Labcorp Genetics (formerly Invitae), Labcorp); PubMed 26846950 (cited by Labcorp Genetics (formerly Invitae), Labcorp); PubMed 27106955 (cited by Labcorp Genetics (formerly Invitae), Labcorp); PubMed 34263907 (cited by Labcorp Genetics (formerly Invitae), Labcorp).